The following is an entry in ClinVar:

NM_000540.3(RYR1):c.6929del (p.Cys2310fs)

Gene: RYR1 (ryanodine receptor 1; plus strand). Cytogenetic location: 19q13.2.
Variant type: Deletion.
Coding change: c.6929del on transcript NM_000540.3 (MANE Select); coding-DNA position 6929, one base deleted (G; older notation c.6929delG).
Protein change: p.Cys2310fs; shifts the reading frame from cysteine 2310.
Molecular consequence: frameshift variant.
Genome position (GRCh38, 1-based): chr19:38,499,145, G deleted. VCF-style (leftmost placement, unchanged base first): chr19-38499144-TG-T. GRCh37 (hg19) VCF-style: chr19-38989784-TG-T.
Other names: c.6929del, p.Cys2310fs (NM_001042723.2); short protein forms C2310fs.
Identifiers: ClinVar variation 3385438 (VCV003385438.1).

ClinVar aggregate classification (germline): Uncertain significance (1 of 4 stars; one submission).

Conditions:
Malignant hyperthermia, susceptibility to, 1 (MHS1). Also called: Anesthesia related hyperthermia; Malignant hyperpyrexia; Fulminating hyperpyrexia; Pharmacogenic myopathy; Malignant hyperthermia suceptibility 1; RYR1-Related Malignant Hyperthermia Susceptibility. Identifiers: Orphanet 423, MedGen C2930980, MONDO:0007783, OMIM 145600.

Submission:

All of Us Research Program, National Institutes of Health
Classification: Uncertain significance for Malignant hyperthermia, susceptibility to, 1. Last evaluated: 2024-08-13. Review status: criteria provided, single submitter. Criteria: ACMG Guidelines, 2015. Collection method: clinical testing. Allele origin: germline. Inheritance: Autosomal dominant inheritance. Observed: 1 variant allele, 1 heterozygote.
Comment: This variant deletes 1 nucleotide in exon 43/106 of the RYR1 gene, creating a frameshift and premature translation stop signal. This variant is expected to result in an absent or non-functional protein product. To our knowledge, this variant has not been reported in individuals affected with RYR1-related disorders in the literature. This variant has not been identified in the general population by the Genome Aggregation Database (gnomAD). Loss of RYR1 function due to truncation variants is not an established disease mechanism for autosomal dominant malignant hyperthermia, although it is associated with other phenotype(s). Therefore, this variant is classified as a Variant of Uncertain Significance for autosomal dominant malignant hyperthermia.

This study involves interpretation of variants in research participants for the purpose of population health screening. Participant phenotype was not available at the time of variant classification. Additional details can be found in publication PMID: 35346344, PMCID: PMC8962531